The following is an entry in ClinVar:

ClinVar aggregate classification (germline): Uncertain significance (1 of 4 stars; one submission).

Conditions:
Intellectual developmental disorder with ocular anomalies and distinctive facial features (IDDOF). Identifiers: MedGen C5774238, MONDO:0859303, OMIM 620086.

Submission:

3billion
Classification: Uncertain significance for Intellectual developmental disorder with ocular anomalies and distinctive facial features. Last evaluated: 2025-08-09. Review status: criteria provided, single submitter. Criteria: ACMG Guidelines, 2015. Collection method: clinical testing. Allele origin: germline. Affected: yes.
Comment: The variant is not observed in the gnomAD v4.1.0 dataset. Predicted Consequence/Location: Missense variant In silico tool predictions suggest damaging effect of the variant on gene or gene product [REVEL: 0.64 (>=0.6, sensitivity 0.68 and specificity 0.92)]. Therefore, this variant is classified as VUS according to the recommendation of ACMG/AMP guideline.

NM_138383.3(MTSS2):c.1748C>G (p.Pro583Arg)

Gene: MTSS2 (MTSS I-BAR domain containing 2; minus strand). Cytogenetic location: 16q22.1.
Variant type: single nucleotide variant.
Coding change: c.1748C>G on transcript NM_138383.3 (MANE Select); coding-DNA position 1748, C replaced by G.
Protein change: p.Pro583Arg; replaces proline 583 with arginine.
Molecular consequence: missense variant.
Genome position (GRCh38, 1-based): chr16:70,664,173, G>C on the plus strand (C>G on the coding strand, the complement: MTSS2 is on the minus strand). VCF-style: chr16-70664173-G-C. GRCh37 (hg19) VCF-style: chr16-70698076-G-C.
Other names: short protein forms P583R.
Identifiers: ClinVar variation 4854090 (VCV004854090.1).